The following is an entry in ClinVar:

NM_000492.4(CFTR):c.3025G>C (p.Ala1009Pro)

Genes: CFTR (CF transmembrane conductance regulator; plus strand), CFTR-AS2 (CFTR antisense RNA 2; minus strand), LOC111674472 (DNase I hypersensitive sites in introns 16 and 17a of CFTR; plus strand). Cytogenetic location: 7q31.2.
Variant type: single nucleotide variant.
Coding change: c.3025G>C on transcript NM_000492.4 (MANE Select); coding-DNA position 3025, G replaced by C.
Protein change: p.Ala1009Pro; replaces alanine 1009 with proline.
Molecular consequence: missense variant.
Genome position (GRCh38, 1-based): chr7:117,610,555, G>C. VCF-style: chr7-117610555-G-C. GRCh37 (hg19) VCF-style: chr7-117250609-G-C.
Other names: short protein forms A1009P.
Identifiers: ClinVar variation 3491681 (VCV003491681.1).

ClinVar aggregate classification (germline): Uncertain significance (1 of 4 stars; one submission).

Conditions:
Cystic fibrosis (CF). Also called: MUCOVISCIDOSIS. Identifiers: Orphanet 586, MedGen C0010674, MONDO:0009061, OMIM 219700. Disease mechanism: loss of function.

Submission:

Ambry Genetics
Classification: Uncertain significance for Cystic fibrosis. Last evaluated: 2024-10-14. Review status: criteria provided, single submitter. Criteria: Ambry Variant Classification Scheme 2023. Collection method: clinical testing. Allele origin: germline.
Comment: The p.A1009P variant (also known as c.3025G>C), located in coding exon 19 of the CFTR gene, results from a G to C substitution at nucleotide position 3025. The alanine at codon 1009 is replaced by proline, an amino acid with highly similar properties. This amino acid position is conserved. In addition, the in silico prediction for this alteration is inconclusive. Based on the available evidence, the clinical significance of this variant remains unclear.